The following is an entry in ClinVar:

ClinVar aggregate classification (germline): Uncertain significance (1 of 4 stars; one submission).

Conditions:
Developmental and epileptic encephalopathy, 11 (DEE11). Also called: Early infantile epileptic encephalopathy 11. Identifiers: Orphanet 1934, MedGen C3150987, MONDO:0013388, OMIM 613721.
Seizures, benign familial infantile, 3 (BFIS3). Also called: CONVULSIONS, BENIGN FAMILIAL INFANTILE, 3; Familial neonatal seizures. Identifiers: Orphanet 140927, Orphanet 306, MedGen C1843140, MONDO:0011904, OMIM 607745.

gnomAD v4.1: 1 of 1,613,458 alleles (0.000062%); highest among the groups gnomAD compares: Non-Finnish European, 0.000085%; no homozygotes.

Submission:

Labcorp Genetics (formerly Invitae), Labcorp
Classification: Uncertain significance for Seizures, benign familial infantile, 3; Developmental and epileptic encephalopathy, 11. Last evaluated: 2024-10-20. Review status: criteria provided, single submitter. Criteria: Invitae Variant Classification Sherloc (09022015). Collection method: clinical testing. Allele origin: germline.
Comment: This sequence change replaces serine, which is neutral and polar, with asparagine, which is neutral and polar, at codon 1384 of the SCN2A protein (p.Ser1384Asn). This variant is not present in population databases (gnomAD no frequency). This variant has not been reported in the literature in individuals affected with SCN2A-related conditions. Invitae Evidence Modeling of protein sequence and biophysical properties (such as structural, functional, and spatial information, amino acid conservation, physicochemical variation, residue mobility, and thermodynamic stability) indicates that this missense variant is expected to disrupt SCN2A protein function with a positive predictive value of 95%. In summary, the available evidence is currently insufficient to determine the role of this variant in disease. Therefore, it has been classified as a Variant of Uncertain Significance.

NM_001040142.2(SCN2A):c.4151G>A (p.Ser1384Asn)

Gene: SCN2A (sodium voltage-gated channel alpha subunit 2; plus strand). Cytogenetic location: 2q24.3.
Variant type: single nucleotide variant.
Coding change: c.4151G>A on transcript NM_001040142.2 (MANE Select); coding-DNA position 4151, G replaced by A.
Protein change: p.Ser1384Asn; replaces serine 1384 with asparagine.
Molecular consequence: missense variant.
Genome position (GRCh38, 1-based): chr2:165,374,863, G>A. VCF-style: chr2-165374863-G-A. GRCh37 (hg19) VCF-style: chr2-166231373-G-A.
Other names: c.4151G>A, p.Ser1384Asn (NM_001371246.1, NM_001371247.1, NM_001040143.2 and 1 more transcripts); short protein forms S1384N.
Identifiers: ClinVar variation 3759075 (VCV003759075.2).
Genomic context (GRCh38, chr2:165,374,863, plus strand): 5'-ACCATTGTATTAATTACACCACTGGAGAGATGTTTGATGTAAGCGTGGTCAACAACTACA[G>A]TGAGTGCAAAGCTCTCATTGAGAGCAATCAAACTGCCAGGTGGAAAAATGTGAAAGTAAA-3'
Protein context (NP_001035232.1, residues 1374-1394): MFDVSVVNNY[Ser1384Asn]ECKALIESNQ